The following is an entry in ClinVar:

NM_152743.4(BRAT1):c.818G>T (p.Ser273Ile)

Gene: BRAT1 (BRCA1 associated ATM activator 1; minus strand). Cytogenetic location: 7p22.3.
Variant type: single nucleotide variant.
Coding change: c.818G>T on transcript NM_152743.4 (MANE Select); coding-DNA position 818, G replaced by T.
Protein change: p.Ser273Ile; replaces serine 273 with isoleucine.
Molecular consequence: missense variant. On other transcripts: non-coding transcript variant (1).
Genome position (GRCh38, 1-based): chr7:2,543,309, C>A on the plus strand (G>T on the coding strand, the complement: BRAT1 is on the minus strand). VCF-style: chr7-2543309-C-A. GRCh37 (hg19) VCF-style: chr7-2582943-C-A.
Other names: c.818G>T, p.Ser273Ile (NM_001350626.2); c.293G>T, p.Ser98Ile (NM_001350627.2); short protein forms S273I, S98I.
Identifiers: ClinVar variation 2199177 (VCV002199177.4), dbSNP rs1361012976, ClinGen allele CA366631235.

ClinVar aggregate classification (germline): Uncertain significance (1 of 4 stars; one submission).

Conditions:
Neonatal-onset encephalopathy with rigidity and seizures. Also called: Lethal neonatal spasticity-epileptic encephalopathy syndrome. Identifiers: Orphanet 435845, MedGen C3281029, MONDO:0013784, OMIM 614498.

Allele frequency attached by ClinVar (database versions not stated): TOPMed below 0.00001; gnomAD 0.00001.
gnomAD v4.1: 2 of 1,606,606 alleles (0.00012%); highest among the groups gnomAD compares: East Asian, 0.0022%; no homozygotes.

Submission:

Labcorp Genetics (formerly Invitae), Labcorp
Classification: Uncertain significance for Neonatal-onset encephalopathy with rigidity and seizures. Last evaluated: 2022-08-19. Review status: criteria provided, single submitter. Criteria: Invitae Variant Classification Sherloc (09022015). Collection method: clinical testing. Allele origin: germline.
Comment: This sequence change replaces serine, which is neutral and polar, with isoleucine, which is neutral and non-polar, at codon 273 of the BRAT1 protein (p.Ser273Ile). The frequency data for this variant in the population databases is considered unreliable, as metrics indicate poor data quality at this position in the gnomAD database. This variant has not been reported in the literature in individuals affected with BRAT1-related conditions. Algorithms developed to predict the effect of missense changes on protein structure and function are either unavailable or do not agree on the potential impact of this missense change (SIFT: "Deleterious"; PolyPhen-2: "Benign"; Align-GVGD: "Class C15"). In summary, the available evidence is currently insufficient to determine the role of this variant in disease. Therefore, it has been classified as a Variant of Uncertain Significance.